The following is an entry in ClinVar:

NM_001080477.4(TENM3):c.7446C>T (p.Gly2482=)

Gene: TENM3 (teneurin transmembrane protein 3; plus strand). Cytogenetic location: 4q35.1.
Variant type: single nucleotide variant.
Coding change: c.7446C>T on transcript NM_001080477.4 (MANE Select); coding-DNA position 7446, C replaced by T.
Protein change: p.Gly2482=; no amino-acid change (glycine 2482 retained).
Molecular consequence: synonymous variant.
Genome position (GRCh38, 1-based): chr4:182,799,697, C>T. VCF-style: chr4-182799697-C-T. GRCh37 (hg19) VCF-style: chr4-183720850-C-T.
Identifiers: ClinVar variation 257355 (VCV000257355.11), dbSNP rs11223, ClinGen allele CA3148938.

ClinVar aggregate classification (germline): Benign. Review status: criteria provided, multiple submitters, no conflicts (2 of 4 stars). 4 submissions from 4 submitters: Benign (4). Last evaluated 2026-01-27.

Allele frequency attached by ClinVar (database versions not stated): gnomAD exomes 0.13065; 1000 Genomes Project 30x 0.20222; TOPMed 0.18508; ESP Exome Variant Server 0.14972; ExAC 0.15065; gnomAD 0.16937 and 0.17173; 1000 Genomes Project 0.19928.
gnomAD v4.1: 183,261 of 1,549,364 alleles (12%); highest among the groups gnomAD compares: African/African-American, 33%; 13,281 homozygotes.

Submissions (4):

Labcorp Genetics (formerly Invitae), Labcorp
Classification: Benign. Last evaluated: 2026-01-27. Review status: criteria provided, single submitter. Criteria: Invitae Variant Classification Sherloc (09022015). Collection method: clinical testing. Allele origin: germline.

GeneDx
Classification: Benign. Last evaluated: 2018-03-22. Review status: criteria provided, single submitter. Criteria: GeneDx Variant Classification (06012015). Collection method: clinical testing. Allele origin: germline. Affected: yes.
Comment: This variant is considered likely benign or benign based on one or more of the following criteria: it is a conservative change, it occurs at a poorly conserved position in the protein, it is predicted to be benign by multiple in silico algorithms, and/or has population frequency not consistent with disease.

Breakthrough Genomics
Classification: Benign. Review status: criteria provided, single submitter. Criteria: ACMG Guidelines, 2015. Collection method: not provided. Allele origin: germline. Inheritance: Autosomal recessive inheritance. Affected: yes.

PreventionGenetics, part of Exact Sciences
Classification: Benign. Review status: criteria provided, single submitter. Criteria: ACMG Guidelines, 2015. Collection method: clinical testing. Allele origin: germline.